The following is an entry in ClinVar:

NM_001283009.2(RTEL1):c.945T>G (p.Ile315Met)

Genes: RTEL1 (regulator of telomere elongation helicase 1; plus strand), RTEL1-TNFRSF6B (RTEL1-TNFRSF6B readthrough (NMD candidate); plus strand). Cytogenetic location: 20q13.33.
Variant type: single nucleotide variant.
Coding change: c.945T>G on transcript NM_001283009.2 (MANE Select); coding-DNA position 945, T replaced by G.
Protein change: p.Ile315Met; replaces isoleucine 315 with methionine.
Molecular consequence: missense variant. On other transcripts: non-coding transcript variant (1).
Genome position (GRCh38, 1-based): chr20:63,678,170, T>G. VCF-style: chr20-63678170-T-G. GRCh37 (hg19) VCF-style: chr20-62309523-T-G.
Other names: c.276T>G, p.Ile92Met (NM_001283010.1); c.945T>G, p.Ile315Met (NM_016434.4); c.1017T>G, p.Ile339Met (NM_032957.5); short protein forms I315M, I92M, I339M.
Identifiers: ClinVar variation 3948247 (VCV003948247.1).

ClinVar aggregate classification (germline): Uncertain significance (1 of 4 stars; one submission).

Conditions:
Inborn genetic diseases. Identifiers: MedGen C0950123, MeSH D030342.

gnomAD v4.1: 1 of 1,614,040 alleles (0.000062%); highest among the groups gnomAD compares: African/African-American, 0.0013%; no homozygotes.

Submission:

Ambry Genetics
Classification: Uncertain significance for Inborn genetic diseases. Last evaluated: 2025-03-24. Review status: criteria provided, single submitter. Criteria: Ambry Variant Classification Scheme 2023. Collection method: clinical testing. Allele origin: germline.
Comment: The p.I315M variant (also known as c.945T>G), located in coding exon 10 of the RTEL1 gene, results from a T to G substitution at nucleotide position 945. The isoleucine at codon 315 is replaced by methionine, an amino acid with highly similar properties. This amino acid position is conserved. In addition, this alteration is predicted to be tolerated by in silico analysis. Based on the available evidence, the clinical significance of this variant remains unclear.